The following is an entry in ClinVar:

NM_030957.4(ADAMTS10):c.2046C>A (p.Cys682Ter)

Gene: ADAMTS10 (ADAM metallopeptidase with thrombospondin type 1 motif 10; minus strand). Cytogenetic location: 19p13.2.
Variant type: single nucleotide variant.
Coding change: c.2046C>A on transcript NM_030957.4 (MANE Select); coding-DNA position 2046, C replaced by A.
Protein change: p.Cys682Ter; replaces cysteine 682 with a stop codon.
Molecular consequence: nonsense.
Genome position (GRCh38, 1-based): chr19:8,589,354, G>T on the plus strand (C>A on the coding strand, the complement: ADAMTS10 is on the minus strand). VCF-style: chr19-8589354-G-T. GRCh37 (hg19) VCF-style: chr19-8654238-G-T.
Other names: c.507C>A, p.Cys169Ter (NM_001282352.2); short protein forms C682*, C169*.
Identifiers: ClinVar variation 2708871 (VCV002708871.3), dbSNP rs782305515, ClinGen allele CA403750655.

ClinVar aggregate classification (germline): Pathogenic (1 of 4 stars; one submission).

Submission:

Labcorp Genetics (formerly Invitae), Labcorp
Classification: Pathogenic. Last evaluated: 2024-01-11. Review status: criteria provided, single submitter. Criteria: Invitae Variant Classification Sherloc (09022015). Collection method: clinical testing. Allele origin: germline.
Comment: This sequence change creates a premature translational stop signal (p.Cys682*) in the ADAMTS10 gene. It is expected to result in an absent or disrupted protein product. Loss-of-function variants in ADAMTS10 are known to be pathogenic (PMID: 15368195, 18567016). This variant is not present in population databases (gnomAD no frequency). This variant has not been reported in the literature in individuals affected with ADAMTS10-related conditions. For these reasons, this variant has been classified as Pathogenic.

Literature cited by the submitters: PubMed 15368195; PubMed 18567016.